The following is an entry in ClinVar:

ClinVar aggregate classification (germline): Likely benign. Review status: criteria provided, multiple submitters, no conflicts (2 of 4 stars). 2 submissions from 2 submitters: Likely benign (2). Last evaluated 2024-10-15.

Conditions:
Malignant hyperthermia, susceptibility to, 5 (MHS5). Also called: CACNA1S-Related Malignant Hyperthermia Susceptibility. Identifiers: Orphanet 423, MedGen C1866077, MONDO:0011163, OMIM 601887.
Hypokalemic periodic paralysis, type 1. Also called: HypoPP; Hypokalemic Periodic Paralysis Type 1 (AD). Identifiers: Orphanet 681, MedGen C3714580, MONDO:0042979, OMIM 170400.

Allele frequency attached by ClinVar (database versions not stated): 1000 Genomes Project 30x 0.00016; 1000 Genomes Project 0.00020.

Submissions (2):

Labcorp Genetics (formerly Invitae), Labcorp
Classification: Likely benign for Hypokalemic periodic paralysis, type 1; Malignant hyperthermia, susceptibility to, 5. Last evaluated: 2024-10-15. Review status: criteria provided, single submitter. Criteria: Invitae Variant Classification Sherloc (09022015). Collection method: clinical testing. Allele origin: germline.

All of Us Research Program, National Institutes of Health
Classification: Likely benign for Malignant hyperthermia, susceptibility to, 5. Last evaluated: 2023-10-02. Review status: criteria provided, single submitter. Criteria: ACMG Guidelines, 2015. Collection method: clinical testing. Allele origin: germline. Inheritance: Autosomal dominant inheritance. Observed: 1 variant allele, 1 heterozygote.
Comment: This study involves interpretation of variants in research participants for the purpose of population health screening. Participant phenotype was not available at the time of variant classification. Additional details can be found in publication PMID: 35346344, PMCID: PMC8962531

NM_000069.3(CACNA1S):c.1394-8C>T

Gene: CACNA1S (calcium voltage-gated channel subunit alpha1 S; minus strand). Cytogenetic location: 1q32.1.
Variant type: single nucleotide variant.
Coding change: c.1394-8C>T on transcript NM_000069.3 (MANE Select); 8 bases into the intron before coding-DNA position 1394, C replaced by T.
Molecular consequence: intron variant.
Genome position (GRCh38, 1-based): chr1:201,078,112, G>A on the plus strand (C>T on the coding strand, the complement: CACNA1S is on the minus strand). VCF-style: chr1-201078112-G-A. GRCh37 (hg19) VCF-style: chr1-201047240-G-A.
Identifiers: ClinVar variation 1136631 (VCV001136631.10), dbSNP rs375250339, ClinGen allele CA078211.
Genomic context (GRCh38, chr1:201,078,112, plus strand): 5'-CTTCATCAGCATCTCAGTGGTGAAGAGGGACAGCAGCACCCGGTTGGCAATGTCTGTAGG[G>A]TTGGTGGCACAGCCCCGGCATCACTCTCCTTCCCTTCTCCTGACTCCCAGCCTTGGCTGT-3'